The following is an entry in ClinVar:

ClinVar aggregate classification (germline): Uncertain significance (1 of 4 stars; one submission).

Conditions:
Inborn genetic diseases. Identifiers: MedGen C0950123, MeSH D030342.

Submission:

Ambry Genetics
Classification: Uncertain significance for Inborn genetic diseases. Last evaluated: 2022-08-04. Review status: criteria provided, single submitter. Criteria: Ambry Variant Classification Scheme 2023. Collection method: clinical testing. Allele origin: germline.
Comment: The p.L815S variant (also known as c.2444T>C), located in coding exon 19 of the BUB1B gene, results from a T to C substitution at nucleotide position 2444. The leucine at codon 815 is replaced by serine, an amino acid with dissimilar properties. This amino acid position is conserved. In addition, the in silico prediction for this alteration is inconclusive. Since supporting evidence is limited at this time, the clinical significance of this alteration remains unclear.

NM_001211.6(BUB1B):c.2444T>C (p.Leu815Ser)

Gene: BUB1B (BUB1 mitotic checkpoint serine/threonine kinase B; plus strand). Cytogenetic location: 15q15.1.
Variant type: single nucleotide variant.
Coding change: c.2444T>C on transcript NM_001211.6 (MANE Select); coding-DNA position 2444, T replaced by C.
Protein change: p.Leu815Ser; replaces leucine 815 with serine.
Molecular consequence: missense variant.
Genome position (GRCh38, 1-based): chr15:40,212,557, T>C. VCF-style: chr15-40212557-T-C. GRCh37 (hg19) VCF-style: chr15-40504758-T-C.
Other names: short protein forms L815S.
Identifiers: ClinVar variation 1791373 (VCV001791373.2), dbSNP rs2542575412, ClinGen allele CA391695221.
Genomic context (GRCh38, chr15:40,212,557, plus strand): 5'-AGGTATCTTCTCAACCTGTCCCATGGGACTTTTATATCAACCTCAAGTTAAAGGAACGTT[T>C]AAATGAAGATTTTGATCATTTTTGCAGCTGTTATCAATATCAAGATGGCTGTATTGTTTG-3'
Protein context (NP_001202.5, residues 805-825): FYINLKLKER[Leu815Ser]NEDFDHFCSC